The following is an entry in ClinVar:

NM_017780.4(CHD7):c.5404G>A (p.Gly1802Ser)

Gene: CHD7 (chromodomain helicase DNA binding protein 7; plus strand). Cytogenetic location: 8q12.2.
Variant type: single nucleotide variant.
Coding change: c.5404G>A on transcript NM_017780.4 (MANE Select); coding-DNA position 5404, G replaced by A.
Protein change: p.Gly1802Ser; replaces glycine 1802 with serine.
Molecular consequence: missense variant. On other transcripts: intron variant (1).
Genome position (GRCh38, 1-based): chr8:60,849,154, G>A. VCF-style: chr8-60849154-G-A. GRCh37 (hg19) VCF-style: chr8-61761713-G-A.
Other names: c.1717-13075G>A (NM_001316690.1); short protein forms G1802S.
Identifiers: ClinVar variation 488387 (VCV000488387.3), dbSNP rs1554603293, ClinGen allele CA371321353.

ClinVar aggregate classification (germline): Likely pathogenic (1 of 4 stars; one submission).

Conditions:
CHARGE syndrome (CHARGE). Also called: Hittner Hirsch Kreh syndrome; CHARGE ASSOCIATION--COLOBOMA, HEART ANOMALY, CHOANAL ATRESIA, RETARDATION, GENITAL AND EAR ANOMALIES; Coloboma, heart anomaly, choanal atresia, retardation, genital and ear anomalies; CHARGE association; Hall-Hittner syndrome. Identifiers: Orphanet 138, MedGen C0265354, MONDO:0008965.

Submission:

Victorian Clinical Genetics Services, Murdoch Childrens Research Institute
Classification: Likely pathogenic for CHD7-related CHARGE syndrome. Last evaluated: 2017-07-06. Review status: criteria provided, single submitter. Criteria: ACMG Guidelines, 2015. Collection method: clinical testing. Allele origin: maternal. Inheritance: Autosomal dominant inheritance. Affected: yes. Observed: 2 variant alleles.
Comment: A heterozygous missense variant was identified, NM_017780.3(CHD7):c.5404G>A in exon 25 of the CHD7 gene (chr8:61761713). This substitution is predicted to create an amino acid change from a glycine to a serine at amino acid position 1802, NP_060250.2(CHD7):p.(Gly1802Ser) and/or a splice site change leading to aberrant splicing (due to it's location at the last base of the exon). Further testing via RNA studies are required to confirm if splicing is altered. The glycine at this position has high conservation but is not situated in a known functional domain. In silico software predicts the missense variant to be disease causing, and potentially cause aberrant splicing. This variant has not been previously observed in our patient cohort, is not present in population databases and has not been reported in other clinical cases. Another variant at this position has previously been reported as pathogenic (Pauli et al 2012). Based on current information, this variant has been classified as LIKELY PATHOGENIC.